The following is an entry in ClinVar:

NM_000400.4(ERCC2):c.1082T>C (p.Leu361Pro)

Gene: ERCC2 (ERCC excision repair 2, TFIIH core complex helicase subunit; minus strand). Cytogenetic location: 19q13.32.
Variant type: single nucleotide variant.
Coding change: c.1082T>C on transcript NM_000400.4 (MANE Select); coding-DNA position 1082, T replaced by C.
Protein change: p.Leu361Pro; replaces leucine 361 with proline.
Molecular consequence: missense variant.
Genome position (GRCh38, 1-based): chr19:45,363,779, A>G on the plus strand (T>C on the coding strand, the complement: ERCC2 is on the minus strand). VCF-style: chr19-45363779-A-G. GRCh37 (hg19) VCF-style: chr19-45867037-A-G.
Other names: c.1010T>C, p.Leu337Pro (NM_001130867.2); short protein forms L337P, L361P.
Identifiers: ClinVar variation 3231619 (VCV003231619.1), dbSNP rs576796170, ClinGen allele CA308966292.

ClinVar aggregate classification (germline): Uncertain significance (1 of 4 stars; one submission).

Conditions:
Inborn genetic diseases. Identifiers: MedGen C0950123, MeSH D030342.

Allele frequency attached by ClinVar (database versions not stated): gnomAD 0.00001; 1000 Genomes Project 30x 0.00016; 1000 Genomes Project 0.00020.

Submission:

Ambry Genetics
Classification: Uncertain significance for Inborn genetic diseases. Last evaluated: 2023-11-30. Review status: criteria provided, single submitter. Criteria: Ambry Variant Classification Scheme 2023. Collection method: clinical testing. Allele origin: germline.
Comment: The p.L361P variant (also known as c.1082T>C), located in coding exon 11 of the ERCC2 gene, results from a T to C substitution at nucleotide position 1082. The leucine at codon 361 is replaced by proline, an amino acid with similar properties. This amino acid position is conserved. In addition, this alteration is predicted to be deleterious by in silico analysis. Since supporting evidence is limited at this time, the clinical significance of this alteration remains unclear.